The following is an entry in ClinVar:

NM_001126108.2(SLC12A3):c.1865A>G (p.Asn622Ser)

Gene: SLC12A3 (solute carrier family 12 member 3; plus strand). Cytogenetic location: 16q13.
Variant type: single nucleotide variant.
Coding change: c.1865A>G on transcript NM_001126108.2 (MANE Select); coding-DNA position 1865, A replaced by G.
Protein change: p.Asn622Ser; replaces asparagine 622 with serine.
Molecular consequence: missense variant.
Genome position (GRCh38, 1-based): chr16:56,885,304, A>G. VCF-style: chr16-56885304-A-G. GRCh37 (hg19) VCF-style: chr16-56919216-A-G.
Other names: p.Asn622Ser; c.1865A>G, p.Asn622Ser (NM_000339.3); c.1862A>G, p.Asn621Ser (NM_001126107.2); short protein forms N622S, N621S.
Identifiers: ClinVar variation 255882 (VCV000255882.23), dbSNP rs61746763, ClinGen allele CA8069644.

ClinVar aggregate classification (germline): Benign/Likely benign. Review status: criteria provided, multiple submitters, no conflicts (2 of 4 stars). 9 submissions from 9 submitters: Benign (6); Likely benign (2). 1 of the submissions does not count toward it. Last evaluated 2026-02-01.

Conditions:
Familial hypokalemia-hypomagnesemia (GTLMNS). Also called: gitelman syndrome; POTASSIUM AND MAGNESIUM DEPLETION; HYPOMAGNESEMIA-HYPOKALEMIA, PRIMARY RENOTUBULAR, WITH HYPOCALCIURIA. Identifiers: Orphanet 358, MedGen C0268450, MONDO:0009904, OMIM 263800.

Allele frequency attached by ClinVar (database versions not stated): gnomAD exomes 0.00197 and 0.00477; ExAC 0.00958; ESP Exome Variant Server 0.01332; gnomAD 0.01359 and 0.01422; TOPMed 0.01535; 1000 Genomes Project 30x 0.01640; 1000 Genomes Project 0.01677.
gnomAD v4.1: 5,005 of 1,555,576 alleles (0.32%); highest among the groups gnomAD compares: African/African-American, 4.6%; 80 homozygotes.

Submissions (9):

Labcorp Genetics (formerly Invitae), Labcorp
Classification: Benign. Last evaluated: 2026-02-01. Review status: criteria provided, single submitter. Criteria: Invitae Variant Classification Sherloc (09022015). Collection method: clinical testing. Allele origin: germline.

Blueprint Genetics
Classification: Benign. Last evaluated: 2024-11-25. Review status: criteria provided, single submitter. Criteria: ACMG Guidelines, 2015. Collection method: clinical testing. Allele origin: germline.

Mayo Clinic Laboratories, Mayo Clinic
Classification: Benign. Last evaluated: 2023-04-05. Review status: criteria provided, single submitter. Criteria: ACMG Guidelines, 2015. Collection method: clinical testing. Allele origin: germline. Observed: 6 variant alleles.
Comment: BS1, BS2, BP4

Genome-Nilou Lab
Classification: Benign for Familial hypokalemia-hypomagnesemia. Last evaluated: 2021-07-15. Review status: criteria provided, single submitter. Criteria: ACMG Guidelines, 2015. Collection method: clinical testing. Allele origin: germline. Affected: no.

GeneDx
Classification: Likely benign. Last evaluated: 2021-05-05. Review status: criteria provided, single submitter. Criteria: GeneDx Variant Classification Process June 2021. Collection method: clinical testing. Allele origin: germline. Affected: yes.

Illumina Laboratory Services, Illumina
Classification: Benign for Familial hypokalemia-hypomagnesemia. Last evaluated: 2018-01-12. Review status: criteria provided, single submitter. Criteria: ICSL Variant Classification Criteria 13 December 2019. Collection method: clinical testing. Allele origin: germline.
Comment: This variant was observed in the ICSL laboratory as part of a predisposition screen in an ostensibly healthy population. It had not been previously curated by ICSL or reported in the Human Gene Mutation Database (HGMD: prior to June 1st, 2018), and was therefore a candidate for classification through an automated scoring system. Utilizing variant allele frequency, disease prevalence and penetrance estimates, and inheritance mode, an automated score was calculated to assess if this variant is too frequent to cause the disease. Based on the score and internal cut-off values, a variant classified as benign is not then subjected to further curation. The score for this variant resulted in a classification of benign for this disease.

Breakthrough Genomics
Classification: Likely benign. Review status: criteria provided, single submitter. Criteria: ACMG Guidelines, 2015. Collection method: not provided. Allele origin: germline. Inheritance: Autosomal recessive inheritance. Affected: yes.

PreventionGenetics, part of Exact Sciences
Classification: Benign. Review status: criteria provided, single submitter. Criteria: ACMG Guidelines, 2015. Collection method: clinical testing. Allele origin: germline.

Natera, Inc.
Classification: Benign for Gitelman syndrome. Last evaluated: 2020-09-16. Review status: no assertion criteria provided. Collection method: clinical testing. Allele origin: germline. Not counted in ClinVar's aggregate classification.